The following is an entry in ClinVar:

NM_145799.4(SEPTIN6):c.421C>G (p.His141Asp)

Gene: SEPTIN6 (septin 6; minus strand). Cytogenetic location: Xq24.
Variant type: single nucleotide variant.
Coding change: c.421C>G on transcript NM_145799.4 (MANE Select); coding-DNA position 421, C replaced by G.
Protein change: p.His141Asp; replaces histidine 141 with aspartic acid.
Molecular consequence: missense variant.
Genome position (GRCh38, 1-based): chrX:119,652,961, G>C on the plus strand (C>G on the coding strand, the complement: SEPTIN6 is on the minus strand). VCF-style: chrX-119652961-G-C. GRCh37 (hg19) VCF-style: chrX-118786924-G-C.
Other names: c.421C>G, p.His141Asp (NM_001410710.1, NM_015129.6, NM_145800.4 and 1 more transcripts); short protein forms H141D.
Identifiers: ClinVar variation 5000176 (VCV005000176.1).

ClinVar aggregate classification (germline): Uncertain significance (1 of 4 stars; one submission).

Conditions:
SEPTIN6-related disorder. Also called: SEPTIN6-related condition.

Submission:

PreventionGenetics, part of Exact Sciences
Classification: Uncertain significance for SEPTIN6-related condition. Last evaluated: 2025-12-08. Review status: criteria provided, single submitter. Criteria: ACMG Guidelines, 2015. Collection method: clinical testing. Allele origin: germline.
Comment: The SEPTIN6 c.421C>G variant is predicted to result in the amino acid substitution p.His141Asp. To our knowledge, this variant has not been reported in the literature or in a large population database (gnomAD), indicating this variant is rare. At this time, the clinical significance of this variant is uncertain due to the absence of conclusive functional and genetic evidence.